The following is an entry in ClinVar:

NM_018136.5(ASPM):c.4606del (p.Gln1536fs)

Gene: ASPM (assembly factor for spindle microtubules; minus strand). Cytogenetic location: 1q31.3.
Variant type: Deletion.
Coding change: c.4606del on transcript NM_018136.5 (MANE Select); coding-DNA position 4606, one base deleted (C; older notation c.4606delC).
Protein change: p.Gln1536fs; shifts the reading frame from glutamine 1536.
Molecular consequence: frameshift variant. On other transcripts: intron variant (1).
Genome position (GRCh38, 1-based): chr1:197,104,645, G deleted on the plus strand (C on the coding strand, the reverse complement: ASPM is on the minus strand). VCF-style (leftmost placement, unchanged base first): chr1-197104644-TG-T. GRCh37 (hg19) VCF-style: chr1-197073774-TG-T.
Other names: c.4066-8481del (NM_001206846.2); short protein forms Q1536fs.
Identifiers: ClinVar variation 2816345 (VCV002816345.3), dbSNP rs1571602542, ClinGen allele CA916374609.

ClinVar aggregate classification (germline): Pathogenic (1 of 4 stars; one submission).

Allele frequency attached by ClinVar (database versions not stated): gnomAD exomes below 0.00001; gnomAD 0.00001; TOPMed 0.00001.

Submission:

Labcorp Genetics (formerly Invitae), Labcorp
Classification: Pathogenic. Last evaluated: 2022-11-24. Review status: criteria provided, single submitter. Criteria: Invitae Variant Classification Sherloc (09022015). Collection method: clinical testing. Allele origin: germline.
Comment: For these reasons, this variant has been classified as Pathogenic. This variant has not been reported in the literature in individuals affected with ASPM-related conditions. This sequence change creates a premature translational stop signal (p.Gln1536Argfs*16) in the ASPM gene. It is expected to result in an absent or disrupted protein product. Loss-of-function variants in ASPM are known to be pathogenic (PMID: 19028728, 23611254). This variant is not present in population databases (gnomAD no frequency).

Literature cited by the submitters: PubMed 19028728; PubMed 23611254.